The following is an entry in ClinVar:

ClinVar aggregate classification (germline): Likely benign. Review status: criteria provided, multiple submitters, no conflicts (2 of 4 stars). 4 submissions from 4 submitters: Likely benign (3). 1 of the submissions does not count toward it. Last evaluated 2026-01-21.

Conditions:
PITPNM3-related disorder. Also called: PITPNM3-related condition.

Allele frequency attached by ClinVar (database versions not stated): gnomAD exomes 0.00007 and 0.00010; 1000 Genomes Project 0.00080; ExAC 0.00015; gnomAD 0.00058 and 0.00061; TOPMed 0.00074; 1000 Genomes Project 30x 0.00078; ESP Exome Variant Server 0.00092.
gnomAD v4.1: 191 of 1,608,086 alleles (0.012%); highest among the groups gnomAD compares: African/African-American, 0.23%; no homozygotes.

Submissions (4):

Labcorp Genetics (formerly Invitae), Labcorp
Classification: Likely benign. Last evaluated: 2026-01-21. Review status: criteria provided, single submitter. Criteria: Invitae Variant Classification Sherloc (09022015). Collection method: clinical testing. Allele origin: germline.

Blueprint Genetics
Classification: Likely benign. Last evaluated: 2024-08-09. Review status: criteria provided, single submitter. Criteria: ACMG Guidelines, 2015. Collection method: clinical testing. Allele origin: germline.

Breakthrough Genomics
Classification: Likely benign. Review status: criteria provided, single submitter. Criteria: ACMG Guidelines, 2015. Collection method: not provided. Allele origin: germline. Inheritance: Autosomal dominant inheritance. Affected: yes.

PreventionGenetics, part of Exact Sciences
Classification: Likely benign for PITPNM3-related condition. Last evaluated: 2022-07-11. Review status: no assertion criteria provided. Collection method: clinical testing. Allele origin: germline. Not counted in ClinVar's aggregate classification.
Comment: This variant is classified as likely benign based on ACMG/AMP sequence variant interpretation guidelines (Richards et al. 2015 PMID: 25741868, with internal and published modifications).

NM_031220.4(PITPNM3):c.1466A>C (p.Glu489Ala)

Gene: PITPNM3 (PITPNM family member 3; minus strand). Cytogenetic location: 17p13.2.
Variant type: single nucleotide variant.
Coding change: c.1466A>C on transcript NM_031220.4 (MANE Select); coding-DNA position 1466, A replaced by C.
Protein change: p.Glu489Ala; replaces glutamic acid 489 with alanine.
Molecular consequence: missense variant.
Genome position (GRCh38, 1-based): chr17:6,471,319, T>G on the plus strand (A>C on the coding strand, the complement: PITPNM3 is on the minus strand). VCF-style: chr17-6471319-T-G. GRCh37 (hg19) VCF-style: chr17-6374639-T-G.
Other names: c.1358A>C, p.Glu453Ala (NM_001165966.2); short protein forms E489A, E453A.
Identifiers: ClinVar variation 942137 (VCV000942137.14), dbSNP rs148983036, ClinGen allele CA8329491.